The following is an entry in ClinVar:

ClinVar aggregate classification (germline): Uncertain significance. Review status: criteria provided, multiple submitters, no conflicts (2 of 4 stars). 2 submissions from 2 submitters: Uncertain significance (2). Last evaluated 2022-12-28.

Conditions:
Dilated cardiomyopathy 1J (CMD1J). Also called: CARDIOMYOPATHY, DILATED, WITH SENSORINEURAL HEARING LOSS, AUTOSOMAL DOMINANT. Identifiers: Orphanet 217622, MedGen C1854368, MONDO:0011541, OMIM 605362.

Allele frequency attached by ClinVar (database versions not stated): gnomAD exomes 0.00001; TOPMed 0.00001.
gnomAD v4.1: 11 of 1,613,380 alleles (0.00068%); highest among the groups gnomAD compares: East Asian, 0.022%; no homozygotes.

Submissions (2):

Labcorp Genetics (formerly Invitae), Labcorp
Classification: Uncertain significance for Dilated cardiomyopathy 1J. Last evaluated: 2022-12-28. Review status: criteria provided, single submitter. Criteria: Invitae Variant Classification Sherloc (09022015). Collection method: clinical testing. Allele origin: germline.
Comment: In summary, the available evidence is currently insufficient to determine the role of this variant in disease. Therefore, it has been classified as a Variant of Uncertain Significance. Advanced modeling of protein sequence and biophysical properties (such as structural, functional, and spatial information, amino acid conservation, physicochemical variation, residue mobility, and thermodynamic stability) performed at Invitae indicates that this missense variant is not expected to disrupt EYA4 protein function. ClinVar contains an entry for this variant (Variation ID: 1320341). This variant has not been reported in the literature in individuals affected with EYA4-related conditions. This variant is present in population databases (rs751490042, gnomAD 0.05%). This sequence change replaces valine, which is neutral and non-polar, with isoleucine, which is neutral and non-polar, at codon 437 of the EYA4 protein (p.Val437Ile).

GeneDx
Classification: Uncertain significance. Last evaluated: 2022-02-21. Review status: criteria provided, single submitter. Criteria: GeneDx Variant Classification Process June 2021. Collection method: clinical testing. Allele origin: germline. Affected: yes.
Comment: In silico analysis supports that this missense variant does not alter protein structure/function; Has not been previously published as pathogenic or benign in association with hearing loss to our knowledge; This variant is associated with the following publications: (PMID: 30452770)

NM_004100.5(EYA4):c.1309G>A (p.Val437Ile)

Genes: TARID (TCF21 antisense RNA inducing promoter demethylation; minus strand), EYA4 (EYA transcriptional coactivator and phosphatase 4; plus strand). Cytogenetic location: 6q23.2.
Variant type: single nucleotide variant.
Coding change: c.1309G>A on transcript NM_004100.5 (MANE Select); coding-DNA position 1309, G replaced by A.
Protein change: p.Val437Ile; replaces valine 437 with isoleucine.
Molecular consequence: missense variant.
Genome position (GRCh38, 1-based): chr6:133,512,748, G>A. VCF-style: chr6-133512748-G-A. GRCh37 (hg19) VCF-style: chr6-133833886-G-A.
Other names: c.1147G>A, p.Val383Ile (NM_001301012.2); c.1327G>A, p.Val443Ile (NM_001301013.2); c.1240G>A, p.Val414Ile (NM_001370458.1, NM_172103.4); c.1165G>A, p.Val389Ile (NM_001370459.1); c.1309G>A, p.Val437Ile (NM_172105.4); short protein forms V383I, V389I, V414I, V437I, V443I.
Identifiers: ClinVar variation 1320341 (VCV001320341.8), dbSNP rs751490042, ClinGen allele CA4008329.